The following is an entry in ClinVar:

NM_020166.5(MCCC1):c.1450G>C (p.Val484Leu)

Gene: MCCC1 (methylcrotonyl-CoA carboxylase subunit 1; minus strand). Cytogenetic location: 3q27.1.
Variant type: single nucleotide variant.
Coding change: c.1450G>C on transcript NM_020166.5 (MANE Select); coding-DNA position 1450, G replaced by C.
Protein change: p.Val484Leu; replaces valine 484 with leucine.
Molecular consequence: missense variant. On other transcripts: non-coding transcript variant (1).
Genome position (GRCh38, 1-based): chr3:183,037,362, C>G on the plus strand (G>C on the coding strand, the complement: MCCC1 is on the minus strand). VCF-style: chr3-183037362-C-G. GRCh37 (hg19) VCF-style: chr3-182755150-C-G.
Other names: c.1099G>C, p.Val367Leu (NM_001293273.2); c.1123G>C, p.Val375Leu (NM_001363880.1); short protein forms V367L, V375L, V484L.
Identifiers: ClinVar variation 2180664 (VCV002180664.4), dbSNP rs774659970, ClinGen allele CA355320725.

ClinVar aggregate classification (germline): Uncertain significance (1 of 4 stars; one submission).

Conditions:
3-methylcrotonyl-CoA carboxylase 1 deficiency (MCC1D). Also called: MCCD TYPE 1; METHYLCROTONYLGLYCINURIA TYPE I; MCC 1 deficiency; 3 Alpha methylcrotonylglycinuria 1. Identifiers: Orphanet 6, MedGen CN028786, MONDO:0008861, OMIM 210200.

Submission:

Labcorp Genetics (formerly Invitae), Labcorp
Classification: Uncertain significance for 3-methylcrotonyl-CoA carboxylase 1 deficiency. Last evaluated: 2025-02-25. Review status: criteria provided, single submitter. Criteria: Invitae Variant Classification Sherloc (09022015). Collection method: clinical testing. Allele origin: germline.
Comment: This sequence change replaces valine, which is neutral and non-polar, with leucine, which is neutral and non-polar, at codon 484 of the MCCC1 protein (p.Val484Leu). This variant is not present in population databases (gnomAD no frequency). This variant has not been reported in the literature in individuals affected with MCCC1-related conditions. ClinVar contains an entry for this variant (Variation ID: 2180664). Invitae Evidence Modeling of protein sequence and biophysical properties (such as structural, functional, and spatial information, amino acid conservation, physicochemical variation, residue mobility, and thermodynamic stability) indicates that this missense variant is not expected to disrupt MCCC1 protein function with a negative predictive value of 80%. In summary, the available evidence is currently insufficient to determine the role of this variant in disease. Therefore, it has been classified as a Variant of Uncertain Significance.